The following is an entry in ClinVar:

ClinVar aggregate classification (germline): Conflicting classifications of pathogenicity. Review status: criteria provided, conflicting classifications (1 of 4 stars). 6 submissions from 6 submitters: Uncertain significance (1); Benign (1); Likely benign (3). 1 of the submissions does not count toward it. Last evaluated 2025-05-05.

Conditions:
Sotos syndrome (SOTOS). Also called: CEREBRAL GIGANTISM; Distinctive facial appearance, overgrowth in childhood, and learning disabilities or delayed development; Sotos' syndrome; CHROMOSOME 5q35 DELETION SYNDROME; SOTOS SYNDROME 1. Identifiers: Orphanet 821, MedGen C0175695, MONDO:0019349, OMIM 117550.
NSD1-related disorder. Also called: NSD1-related condition.
Inborn genetic diseases. Identifiers: MedGen C0950123, MeSH D030342.

Allele frequency attached by ClinVar (database versions not stated): gnomAD exomes 0.00004 and 0.00014; TOPMed 0.00005; gnomAD 0.00012 and 0.00009; ExAC 0.00004.
gnomAD v4.1: 218 of 1,613,032 alleles (0.014%); highest among the groups gnomAD compares: East Asian, 0.11%; no homozygotes.

Submissions (6):

Labcorp Genetics (formerly Invitae), Labcorp
Classification: Benign. Last evaluated: 2025-05-05. Review status: criteria provided, single submitter. Criteria: Invitae Variant Classification Sherloc (09022015). Collection method: clinical testing. Allele origin: germline.

Ambry Genetics
Classification: Likely benign for Inborn genetic diseases. Last evaluated: 2024-12-10. Review status: criteria provided, single submitter. Criteria: Ambry Variant Classification Scheme 2023. Collection method: clinical testing. Allele origin: germline.

Genome-Nilou Lab
Classification: Likely benign for Sotos syndrome. Last evaluated: 2021-07-15. Review status: criteria provided, single submitter. Criteria: ACMG Guidelines, 2015. Collection method: clinical testing. Allele origin: germline. Affected: no.

GeneDx
Classification: Likely benign. Last evaluated: 2019-03-21. Review status: criteria provided, single submitter. Criteria: GeneDx Variant Classification Process June 2021. Collection method: clinical testing. Allele origin: germline. Affected: yes.

Center for Human Genetics, Inc
Classification: Uncertain significance. Last evaluated: 2016-11-01. Review status: criteria provided, single submitter. Criteria: ACMG Guidelines, 2015. Collection method: clinical testing. Allele origin: germline. Affected: yes.

PreventionGenetics, part of Exact Sciences
Classification: Likely benign for NSD1-related condition. Last evaluated: 2024-07-22. Review status: no assertion criteria provided. Collection method: clinical testing. Allele origin: germline. Not counted in ClinVar's aggregate classification.
Comment: This variant is classified as likely benign based on ACMG/AMP sequence variant interpretation guidelines (Richards et al. 2015 PMID: 25741868, with internal and published modifications).

NM_022455.5(NSD1):c.4187C>T (p.Thr1396Met)

Gene: NSD1 (nuclear receptor binding SET domain protein 1; plus strand). Cytogenetic location: 5q35.3.
Variant type: single nucleotide variant.
Coding change: c.4187C>T on transcript NM_022455.5 (MANE Select); coding-DNA position 4187, C replaced by T.
Protein change: p.Thr1396Met; replaces threonine 1396 with methionine.
Molecular consequence: missense variant.
Genome position (GRCh38, 1-based): chr5:177,238,502, C>T. VCF-style: chr5-177238502-C-T. GRCh37 (hg19) VCF-style: chr5-176665503-C-T.
Other names: c.3314C>T, p.Thr1105Met (NM_001365684.2, NM_001409306.1, NM_001409307.1 and 3 more transcripts); c.4187C>T, p.Thr1396Met (NM_001409301.1, NM_001409302.1, NM_001409303.1); c.3767C>T, p.Thr1256Met (NM_001409304.1); c.3434C>T, p.Thr1145Met (NM_001409305.1); short protein forms T1396M, T1127M, T1256M, T1105M, T1145M.
Identifiers: ClinVar variation 352887 (VCV000352887.11), dbSNP rs747298351, ClinGen allele CA3577570.